The following is an entry in ClinVar:

Single allele

Genes: HEMGN (hemogen; minus strand), HSD17B3 (hydroxysteroid 17-beta dehydrogenase 3; minus strand), INVS (inversin; plus strand), MIR23B (microRNA 23b; plus strand), MIR24-1 (microRNA 24-1; plus strand) and 52 more. Cytogenetic location: 9q22.32-31.1.
Variant type: Deletion.
Identifiers: ClinVar variation 997816 (VCV000997816.1).

ClinVar aggregate classification (germline): Pathogenic (0 of 4 stars; one submission).

Conditions:
Intellectual disability. Also called: Intellectual functioning disability; intellectual disabilities; Intellectual developmental disorder. Identifiers: MedGen C3714756, MeSH D008607, MONDO:0001071, HP:0001249.

Submission:

Institute of Human Genetics, University of Leipzig Medical Center
Classification: Pathogenic for Intellectual disability. Last evaluated: 2021-02-25. Review status: no assertion criteria provided. Collection method: clinical testing. Allele origin: de novo. Inheritance: Autosomal dominant inheritance. Affected: yes. Observed: 1 variant allele, 1 heterozygote.
Comment: Inheritance was de novo (heterozygous). The variant was reviewed according to current ClinGen recommendations and classified as Pathogenic (criteria: 1A(0), 2A(1), 3C(0.9), 4B(0.15), 5A(0.15), Total score=2.2).